The following is an entry in ClinVar:

ClinVar aggregate classification (germline): Uncertain significance (1 of 4 stars; one submission).

Submission:

Ambry Genetics
Classification: Uncertain significance. Last evaluated: 2022-10-03. Review status: criteria provided, single submitter. Criteria: Ambry Variant Classification Scheme 2023. Collection method: clinical testing. Allele origin: germline.
Comment: The p.T2096A variant (also known as c.6286A>G), located in coding exon 20 of the POLQ gene, results from an A to G substitution at nucleotide position 6286. The threonine at codon 2096 is replaced by alanine, an amino acid with similar properties. This amino acid position is conserved. In addition, this alteration is predicted to be tolerated by in silico analysis. Since supporting evidence is limited at this time, the clinical significance of this alteration remains unclear.

NM_199420.4(POLQ):c.6286A>G (p.Thr2096Ala)

Gene: POLQ (DNA polymerase theta; minus strand). Cytogenetic location: 3q13.33.
Variant type: single nucleotide variant.
Coding change: c.6286A>G on transcript NM_199420.4 (MANE Select); coding-DNA position 6286, A replaced by G.
Protein change: p.Thr2096Ala; replaces threonine 2096 with alanine.
Molecular consequence: missense variant.
Genome position (GRCh38, 1-based): chr3:121,476,659, T>C on the plus strand (A>G on the coding strand, the complement: POLQ is on the minus strand). VCF-style: chr3-121476659-T-C. GRCh37 (hg19) VCF-style: chr3-121195506-T-C.
Other names: short protein forms T2096A.
Identifiers: ClinVar variation 1752620 (VCV001752620.2), dbSNP rs2546777215, ClinGen allele CA354087036.